The following is an entry in ClinVar:

ClinVar aggregate classification (germline): Uncertain significance. Review status: criteria provided, multiple submitters, no conflicts (2 of 4 stars). 2 submissions from 2 submitters: Uncertain significance (2). Last evaluated 2025-10-01.

Conditions:
Hereditary nonpolyposis colorectal neoplasms. Identifiers: MedGen C0009405, MeSH D003123.
Hereditary cancer-predisposing syndrome. Also called: Hereditary neoplastic syndrome; Neoplastic Syndromes, Hereditary; Tumor predisposition; Hereditary Cancer Syndrome. Identifiers: Orphanet 140162, MedGen C0027672, MeSH D009386, MONDO:0015356.

Submissions (2):

Color Diagnostics, LLC DBA Color Health
Classification: Uncertain significance for Hereditary cancer-predisposing syndrome. Last evaluated: 2025-10-01. Review status: criteria provided, single submitter. Criteria: ACMG Guidelines, 2015. Collection method: clinical testing. Allele origin: germline.
Comment: This missense variant replaces valine with methionine at codon 483 of the MSH6 protein. Computational prediction suggests that this variant may have deleterious impact on protein structure and function. To our knowledge, functional studies have not been reported for this variant. This variant has not been reported in individuals affected with MSH6-related disorders in the literature. This variant has not been identified in the general population by the Genome Aggregation Database (gnomAD). The available evidence is insufficient to determine the role of this variant in disease conclusively. Therefore, this variant is classified as a Variant of Uncertain Significance.

Labcorp Genetics (formerly Invitae), Labcorp
Classification: Uncertain significance for Hereditary nonpolyposis colorectal neoplasms. Last evaluated: 2023-06-05. Review status: criteria provided, single submitter. Criteria: Invitae Variant Classification Sherloc (09022015). Collection method: clinical testing. Allele origin: germline.
Comment: This variant has not been reported in the literature in individuals affected with MSH6-related conditions. This sequence change replaces valine, which is neutral and non-polar, with methionine, which is neutral and non-polar, at codon 483 of the MSH6 protein (p.Val483Met). This variant is not present in population databases (gnomAD no frequency). ClinVar contains an entry for this variant (Variation ID: 939531). Advanced modeling of protein sequence and biophysical properties (such as structural, functional, and spatial information, amino acid conservation, physicochemical variation, residue mobility, and thermodynamic stability) has been performed at Invitae for this missense variant, however the output from this modeling did not meet the statistical confidence thresholds required to predict the impact of this variant on MSH6 protein function. In summary, the available evidence is currently insufficient to determine the role of this variant in disease. Therefore, it has been classified as a Variant of Uncertain Significance.

NM_000179.3(MSH6):c.1447G>A (p.Val483Met)

Gene: MSH6 (mutS homolog 6; plus strand). Cytogenetic location: 2p16.3.
Variant type: single nucleotide variant.
Coding change: c.1447G>A on transcript NM_000179.3 (MANE Select); coding-DNA position 1447, G replaced by A.
Protein change: p.Val483Met; replaces valine 483 with methionine.
Molecular consequence: missense variant.
Genome position (GRCh38, 1-based): chr2:47,799,430, G>A. VCF-style: chr2-47799430-G-A. GRCh37 (hg19) VCF-style: chr2-48026569-G-A.
Other names: c.1057G>A, p.Val353Met (NM_001281492.2); c.541G>A, p.Val181Met (NM_001281493.2, NM_001281494.2); short protein forms V181M, V483M, V353M.
Identifiers: ClinVar variation 939531 (VCV000939531.10), dbSNP rs786204084, ClinGen allele CA346745669.